The following is an entry in ClinVar:

NM_152564.5(VPS13B):c.8687C>T (p.Thr2896Ile)

Gene: VPS13B (vacuolar protein sorting 13 homolog B; plus strand). Cytogenetic location: 8q22.2.
Variant type: single nucleotide variant.
Coding change: c.8687C>T on transcript NM_152564.5 (MANE Select); coding-DNA position 8687, C replaced by T.
Protein change: p.Thr2896Ile; replaces threonine 2896 with isoleucine.
Molecular consequence: missense variant.
Genome position (GRCh38, 1-based): chr8:99,819,477, C>T. VCF-style: chr8-99819477-C-T. GRCh37 (hg19) VCF-style: chr8-100831705-C-T.
Other names: c.8762C>T, p.Thr2921Ile (NM_017890.5); short protein forms T2896I, T2921I.
Identifiers: ClinVar variation 4977899 (VCV004977899.1).
Genomic context (GRCh38, chr8:99,819,477, plus strand): 5'-AATATGATCCTTCAGATTGTGCAGTTCCCATCTCAACATCCCTCATTAAGCAAATAGCCA[C>T]TAAGGTACACCCTGGAGGCACAGTTAATCAGATCCTTGACGAATTCTATGGGCCAGAAAA-3'
Protein context (NP_689777.3, residues 2886-2906): ISTSLIKQIA[Thr2896Ile]KVHPGGTVNQ

ClinVar aggregate classification (germline): Uncertain significance (1 of 4 stars; one submission).

Conditions:
VPS13B-related disorder. Also called: VPS13B-related condition.

gnomAD v4.1: 3 of 1,613,770 alleles (0.00019%); highest among the groups gnomAD compares: African/African-American, 0.0027%; no homozygotes.

Submission:

PreventionGenetics, part of Exact Sciences
Classification: Uncertain significance for VPS13B-related condition. Last evaluated: 2025-04-24. Review status: criteria provided, single submitter. Criteria: ACMG Guidelines, 2015. Collection method: clinical testing. Allele origin: germline.
Comment: The VPS13B c.8687C>T variant is predicted to result in the amino acid substitution p.Thr2896Ile. To our knowledge, this variant has not been reported in the literature or in a large population database (gnomAD), indicating this variant is rare. At this time, the clinical significance of this variant is uncertain due to the absence of conclusive functional and genetic evidence.